The following is an entry in ClinVar:

NM_001242896.3(DEPDC5):c.1426C>A (p.Gln476Lys)

Gene: DEPDC5 (DEP domain containing 5, GATOR1 subcomplex subunit; plus strand). Cytogenetic location: 22q12.3.
Variant type: single nucleotide variant.
Coding change: c.1426C>A on transcript NM_001242896.3 (MANE Select); coding-DNA position 1426, C replaced by A.
Protein change: p.Gln476Lys; replaces glutamine 476 with lysine.
Molecular consequence: missense variant. On other transcripts: non-coding transcript variant (5).
Genome position (GRCh38, 1-based): chr22:31,810,622, C>A. VCF-style: chr22-31810622-C-A. GRCh37 (hg19) VCF-style: chr22-32206608-C-A.
Other names: c.1426C>A, p.Gln476Lys (NM_001007188.4, NM_001136029.4, NM_001242897.2 and 7 more transcripts); c.1342C>A, p.Gln448Lys (NM_001369901.1, NM_001369902.1); short protein forms Q448K, Q476K.
Identifiers: ClinVar variation 4706703 (VCV004706703.1).

ClinVar aggregate classification (germline): Uncertain significance (1 of 4 stars; one submission).

Conditions:
Familial focal epilepsy with variable foci (FPEVF). Identifiers: Orphanet 98820, MedGen C1858477, MONDO:0020310.

Submission:

Labcorp Genetics (formerly Invitae), Labcorp
Classification: Uncertain significance for Familial focal epilepsy with variable foci. Last evaluated: 2025-09-15. Review status: criteria provided, single submitter. Criteria: Invitae Variant Classification Sherloc (09022015). Collection method: clinical testing. Allele origin: germline.
Comment: This sequence change replaces glutamine, which is neutral and polar, with lysine, which is basic and polar, at codon 476 of the DEPDC5 protein (p.Gln476Lys). This variant is present in population databases (rs750083785, gnomAD 0.007%). This variant has not been reported in the literature in individuals affected with DEPDC5-related conditions. Experimental studies and prediction algorithms are not available or were not evaluated, and the functional significance of this variant is currently unknown. In summary, the available evidence is currently insufficient to determine the role of this variant in disease. Therefore, it has been classified as a Variant of Uncertain Significance.